The following is an entry in ClinVar:

NC_000002.11:g.(?_32314571)_(32341301_?)del

Gene: SPAST (spastin; plus strand). Cytogenetic location: 2p22.3.
Variant type: Deletion.
Identifiers: ClinVar variation 2426007 (VCV002426007.4).

ClinVar aggregate classification (germline): Pathogenic (1 of 4 stars; one submission).

Conditions:
Hereditary spastic paraplegia 4. Also called: Spastic paraplegia 4, autosomal dominant; Spastic Paraplegia 4; Familial spastic paraplegia autosomal dominant 2. Identifiers: Orphanet 100985, MedGen C1866855, MONDO:0008438, OMIM 182601.

Submission:

Labcorp Genetics (formerly Invitae), Labcorp
Classification: Pathogenic for Hereditary spastic paraplegia 4. Last evaluated: 2022-06-29. Review status: criteria provided, single submitter. Criteria: Invitae Variant Classification Sherloc (09022015). Collection method: clinical testing. Allele origin: germline.
Comment: For these reasons, this variant has been classified as Pathogenic. This variant has not been reported in the literature in individuals affected with SPAST-related conditions. This variant is a gross deletion of the genomic region encompassing exon(s) 3-7 of the SPAST gene. This deletion is out-of-frame, and is expected to create a premature termination codon and result in an absent or disrupted protein product. Loss-of-function variants in SPAST are known to be pathogenic (PMID: 20932283).

Literature cited by the submitters: PubMed 20932283.